The following is an entry in ClinVar:

ClinVar aggregate classification (germline): Uncertain significance (1 of 4 stars; one submission).

Submission:

Women's Health and Genetics/Laboratory Corporation of America, LabCorp
Classification: Uncertain significance. Last evaluated: 2024-06-20. Review status: criteria provided, single submitter. Criteria: LabCorp Variant Classification Summary - May 2015. Collection method: clinical testing. Allele origin: germline.
Comment: Variant summary: ACADM c.950A>C (p.Gln317Pro) results in a non-conservative amino acid change located in the Acyl-CoA dehydrogenase/oxidase, C-terminal domain (IPR009075) of the encoded protein sequence. Five of five in-silico tools predict a damaging effect of the variant on protein function. The variant was absent in 250838 control chromosomes. The available data on variant occurrences in the general population are insufficient to allow any conclusion about variant significance. To our knowledge, no occurrence of c.950A>C in individuals affected with Medium Chain Acyl-CoA Dehydrogenase Deficiency and no experimental evidence demonstrating its impact on protein function have been reported. No submitters have cited clinical-significance assessments for this variant to ClinVar. Based on the evidence outlined above, the variant was classified as uncertain significance.

NM_000016.6(ACADM):c.950A>C (p.Gln317Pro)

Gene: ACADM (acyl-CoA dehydrogenase medium chain; plus strand). Cytogenetic location: 1p31.1.
Variant type: single nucleotide variant.
Coding change: c.950A>C on transcript NM_000016.6 (MANE Select); coding-DNA position 950, A replaced by C.
Protein change: p.Gln317Pro; replaces glutamine 317 with proline.
Molecular consequence: missense variant.
Genome position (GRCh38, 1-based): chr1:75,761,126, A>C. VCF-style: chr1-75761126-A-C. GRCh37 (hg19) VCF-style: chr1-76226811-A-C.
Other names: c.962A>C, p.Gln321Pro (NM_001127328.3); c.842A>C, p.Gln281Pro (NM_001286042.2); c.1049A>C, p.Gln350Pro (NM_001286043.2); c.383A>C, p.Gln128Pro (NM_001286044.2); short protein forms Q128P, Q281P, Q317P, Q321P, Q350P.
Identifiers: ClinVar variation 3339943 (VCV003339943.1).
Genomic context (GRCh38, chr1:75,761,126, plus strand): 5'-AAAACTTTTAAGTTTTCTCAATAAATATCCTTTAATTTTTTTCTTTTTAATTCTAGCACC[A>C]AGCAATATCATTTATGCTGGCTGAAATGGCAATGAAAGTTGAACTAGCTAGAATGAGTTA-3'
Protein context (NP_000007.1, residues 307-327): KTFGKLLVEH[Gln317Pro]AISFMLAEMA